The following is an entry in ClinVar:

NM_005732.4(RAD50):c.534G>T (p.Glu178Asp)

Gene: RAD50 (RAD50 double strand break repair protein; plus strand). Cytogenetic location: 5q31.1.
Variant type: single nucleotide variant.
Coding change: c.534G>T on transcript NM_005732.4 (MANE Select); coding-DNA position 534, G replaced by T.
Protein change: p.Glu178Asp; replaces glutamic acid 178 with aspartic acid.
Molecular consequence: missense variant.
Genome position (GRCh38, 1-based): chr5:132,579,485, G>T. VCF-style: chr5-132579485-G-T. GRCh37 (hg19) VCF-style: chr5-131915177-G-T.
Other names: short protein forms E178D.
Identifiers: ClinVar variation 2099266 (VCV002099266.4), dbSNP rs1580987340, ClinGen allele CA360935076.

ClinVar aggregate classification (germline): Uncertain significance (1 of 4 stars; one submission).

Conditions:
Hereditary cancer-predisposing syndrome. Also called: Hereditary neoplastic syndrome; Neoplastic Syndromes, Hereditary; Tumor predisposition; Hereditary Cancer Syndrome. Identifiers: Orphanet 140162, MedGen C0027672, MeSH D009386, MONDO:0015356.

Allele frequency attached by ClinVar (database versions not stated): gnomAD exomes below 0.00001.
gnomAD v4.1: 2 of 1,613,154 alleles (0.00012%); highest among the groups gnomAD compares: East Asian, 0.0022%; no homozygotes.

Submission:

Labcorp Genetics (formerly Invitae), Labcorp
Classification: Uncertain significance for Hereditary cancer-predisposing syndrome. Last evaluated: 2024-07-13. Review status: criteria provided, single submitter. Criteria: Invitae Variant Classification Sherloc (09022015). Collection method: clinical testing. Allele origin: germline.
Comment: This sequence change replaces glutamic acid, which is acidic and polar, with aspartic acid, which is acidic and polar, at codon 178 of the RAD50 protein (p.Glu178Asp). This variant is not present in population databases (gnomAD no frequency). This variant has not been reported in the literature in individuals affected with RAD50-related conditions. ClinVar contains an entry for this variant (Variation ID: 2099266). Advanced modeling of protein sequence and biophysical properties (such as structural, functional, and spatial information, amino acid conservation, physicochemical variation, residue mobility, and thermodynamic stability) performed at Invitae indicates that this missense variant is not expected to disrupt RAD50 protein function with a negative predictive value of 80%. In summary, the available evidence is currently insufficient to determine the role of this variant in disease. Therefore, it has been classified as a Variant of Uncertain Significance.